The following is an entry in ClinVar:

ClinVar aggregate classification (germline): Uncertain significance. Review status: criteria provided, single submitter (1 of 4 stars). 2 submissions from 2 submitters: Uncertain significance (1). 1 of the submissions does not count toward it. Last evaluated 2022-08-15.

Conditions:
Congenital myasthenic syndrome (CMS). Also called: Congenital Myasthenic Syndromes. Identifiers: Orphanet 590, MedGen C0751882, MeSH D020294, MONDO:0018940.
Congenital myasthenic syndrome 4A. Also called: Myasthenic syndrome, congenital, 4a, slow-channel; CONGENITAL MYASTHENIC SYNDROME TYPE Ia1; MYASTHENIC SYNDROME, CONGENITAL, 4A, SLOW-CHANNEL, AUTOSOMAL RECESSIVE. Identifiers: Orphanet 590, MedGen C4225413, MONDO:0011600, OMIM 605809.

Allele frequency attached by ClinVar (database versions not stated): TOPMed below 0.00001.

Submissions (2):

Labcorp Genetics (formerly Invitae), Labcorp
Classification: Uncertain significance for Congenital myasthenic syndrome 4A. Last evaluated: 2022-08-15. Review status: criteria provided, single submitter. Criteria: Invitae Variant Classification Sherloc (09022015). Collection method: clinical testing. Allele origin: germline.
Comment: In summary, the available evidence is currently insufficient to determine the role of this variant in disease. Therefore, it has been classified as a Variant of Uncertain Significance. Advanced modeling of protein sequence and biophysical properties (such as structural, functional, and spatial information, amino acid conservation, physicochemical variation, residue mobility, and thermodynamic stability) performed at Invitae indicates that this missense variant is not expected to disrupt CHRNE protein function. ClinVar contains an entry for this variant (Variation ID: 834428). This variant has not been reported in the literature in individuals affected with CHRNE-related conditions. This variant is not present in population databases (gnomAD no frequency). This sequence change replaces glycine, which is neutral and non-polar, with serine, which is neutral and polar, at codon 270 of the CHRNE protein (p.Gly270Ser).

Natera, Inc.
Classification: Uncertain significance for Congenital myasthenic syndrome. Last evaluated: 2020-03-02. Review status: no assertion criteria provided. Collection method: clinical testing. Allele origin: germline. Not counted in ClinVar's aggregate classification.

NM_000080.4(CHRNE):c.808G>A (p.Gly270Ser)

Genes: C17orf107 (chromosome 17 open reading frame 107; plus strand), CHRNE (cholinergic receptor nicotinic epsilon subunit; minus strand). Cytogenetic location: 17p13.2.
Variant type: single nucleotide variant.
Coding change: c.808G>A on transcript NM_000080.4 (MANE Select); coding-DNA position 808, G replaced by A.
Protein change: p.Gly270Ser; replaces glycine 270 with serine.
Molecular consequence: missense variant. On other transcripts: 3 prime UTR variant (1).
Genome position (GRCh38, 1-based): chr17:4,900,902, C>T on the plus strand (G>A on the coding strand, the complement: CHRNE is on the minus strand). VCF-style: chr17-4900902-C-T. GRCh37 (hg19) VCF-style: chr17-4804197-C-T.
Other names: c.*369C>T (NM_001145536.2); short protein forms G270S.
Identifiers: ClinVar variation 834428 (VCV000834428.9), dbSNP rs1447784617, ClinGen allele CA397304652.